The following is an entry in ClinVar:

ClinVar aggregate classification (germline): Uncertain significance. Review status: criteria provided, multiple submitters, no conflicts (2 of 4 stars). 6 submissions from 6 submitters: Uncertain significance (5). 1 of the submissions does not count toward it. Last evaluated 2025-06-24.

Conditions:
FAM161A-related disorder. Also called: FAM161A-related condition.
Inborn genetic diseases. Identifiers: MedGen C0950123, MeSH D030342.
Retinitis pigmentosa 28 (RP28). Identifiers: Orphanet 791, MedGen C1419614, MONDO:0011630, OMIM 606068.

Allele frequency attached by ClinVar (database versions not stated): gnomAD exomes 0.00002 and 0.00004; gnomAD 0.00004; TOPMed 0.00004.
gnomAD v4.1: 67 of 1,605,686 alleles (0.0042%); highest among the groups gnomAD compares: Middle Eastern, 0.067%; no homozygotes.

Submissions (6):

PreventionGenetics, part of Exact Sciences
Classification: Uncertain significance for FAM161A-related condition. Last evaluated: 2025-06-24. Review status: criteria provided, single submitter. Criteria: ACMG Guidelines, 2015. Collection method: clinical testing. Allele origin: germline.
Comment: The FAM161A c.1759G>A variant is predicted to result in the amino acid substitution p.Glu587Lys. To our knowledge, this variant has not been reported in the literature. This variant is reported in 0.0040% of alleles in individuals of European (Finnish) descent in gnomAD. At this time, the clinical significance of this variant is uncertain due to the absence of conclusive functional and genetic evidence.

Ambry Genetics
Classification: Uncertain significance for Inborn genetic diseases. Last evaluated: 2024-09-26. Review status: criteria provided, single submitter. Criteria: Ambry Variant Classification Scheme 2023. Collection method: clinical testing. Allele origin: germline.

Blueprint Genetics
Classification: Uncertain significance. Last evaluated: 2024-08-07. Review status: criteria provided, single submitter. Criteria: ACMG Guidelines, 2015. Collection method: clinical testing. Allele origin: germline.

Labcorp Genetics (formerly Invitae), Labcorp
Classification: Uncertain significance. Last evaluated: 2022-10-24. Review status: criteria provided, single submitter. Criteria: Invitae Variant Classification Sherloc (09022015). Collection method: clinical testing. Allele origin: germline.
Comment: This sequence change replaces glutamic acid, which is acidic and polar, with lysine, which is basic and polar, at codon 587 of the FAM161A protein (p.Glu587Lys). This variant is present in population databases (no rsID available, gnomAD 0.004%). This variant has not been reported in the literature in individuals affected with FAM161A-related conditions. ClinVar contains an entry for this variant (Variation ID: 969367). Advanced modeling of protein sequence and biophysical properties (such as structural, functional, and spatial information, amino acid conservation, physicochemical variation, residue mobility, and thermodynamic stability) has been performed at Invitae for this missense variant, however the output from this modeling did not meet the statistical confidence thresholds required to predict the impact of this variant on FAM161A protein function. In summary, the available evidence is currently insufficient to determine the role of this variant in disease. Therefore, it has been classified as a Variant of Uncertain Significance.

Fulgent Genetics
Classification: Uncertain significance for Retinitis pigmentosa 28. Last evaluated: 2021-12-16. Review status: criteria provided, single submitter. Criteria: ACMG Guidelines, 2015. Collection method: clinical testing. Allele origin: unknown.

Natera, Inc.
Classification: Uncertain significance for Retinitis pigmentosa type 28. Last evaluated: 2020-08-21. Review status: no assertion criteria provided. Collection method: clinical testing. Allele origin: germline. Not counted in ClinVar's aggregate classification.

NM_001201543.2(FAM161A):c.1759G>A (p.Glu587Lys)

Gene: FAM161A (FAM161 centrosomal protein A; minus strand). Cytogenetic location: 2p15.
Variant type: single nucleotide variant.
Coding change: c.1759G>A on transcript NM_001201543.2 (MANE Select); coding-DNA position 1759, G replaced by A.
Protein change: p.Glu587Lys; replaces glutamic acid 587 with lysine.
Molecular consequence: missense variant. On other transcripts: non-coding transcript variant (1).
Genome position (GRCh38, 1-based): chr2:61,836,102, C>T on the plus strand (G>A on the coding strand, the complement: FAM161A is on the minus strand). VCF-style: chr2-61836102-C-T. GRCh37 (hg19) VCF-style: chr2-62063237-C-T.
Other names: c.1591G>A, p.Glu531Lys (NM_032180.3); short protein forms E587K, E531K.
Identifiers: ClinVar variation 969367 (VCV000969367.9), dbSNP rs868226745, ClinGen allele CA48475698.
Genomic context (GRCh38, chr2:61,836,102, plus strand): 5'-TTTTTAATTTTTCTTCTCTTTCTTCTAGTTCTCGTTGGTATTCTCTCATCCTTTCCTTTT[C>T]GCTCTTTCTAAAATTAAAGAAAAGCAATGGAATTTTAAAAGATCATCTAAGAAATAAGAA-3'
Protein context (NP_001188472.1, residues 577-597): KSRVKCLRKS[Glu587Lys]KERMREYQRE